The following is an entry in ClinVar:

ClinVar aggregate classification (germline): Uncertain significance (1 of 4 stars; one submission).

Conditions:
Familial thoracic aortic aneurysm and aortic dissection (TAAD). Also called: Thoracic aortic aneurysms and dissections. Identifiers: Orphanet 91387, MedGen C4707243, MONDO:0019625.

Submission:

Labcorp Genetics (formerly Invitae), Labcorp
Classification: Uncertain significance for Familial thoracic aortic aneurysm and aortic dissection. Last evaluated: 2022-11-04. Review status: criteria provided, single submitter. Criteria: Invitae Variant Classification Sherloc (09022015). Collection method: clinical testing. Allele origin: unknown.
Comment: In summary, the available evidence is currently insufficient to determine the role of this variant in disease. Therefore, it has been classified as a Variant of Uncertain Significance. Experimental studies and prediction algorithms are not available or were not evaluated, and the functional significance of this variant is currently unknown. This variant has not been reported in the literature in individuals affected with TGFBR1-related conditions. This variant results in a copy number gain of the genomic region encompassing exon(s) 5-9 of the TGFBR1 gene. This region includes the termination codon of the gene. This copy number gain extends beyond the assayed region for this gene and therefore may encompass additional genes. As the precise location of this event is unknown, it may be in tandem or it may be located elsewhere in the genome.

NC_000009.11:g.(?_101904798)_(101911587_?)dup

Gene: TGFBR1 (transforming growth factor beta receptor 1; plus strand). Cytogenetic location: 9q22.33.
Variant type: Duplication.
Identifiers: ClinVar variation 3245271 (VCV003245271.1).